The following is an entry in ClinVar:

NM_004415.4(DSP):c.4364C>T (p.Thr1455Ile)

Gene: DSP (desmoplakin; plus strand). Cytogenetic location: 6p24.3.
Variant type: single nucleotide variant.
Coding change: c.4364C>T on transcript NM_004415.4 (MANE Select); coding-DNA position 4364, C replaced by T.
Protein change: p.Thr1455Ile; replaces threonine 1455 with isoleucine.
Molecular consequence: missense variant. On other transcripts: intron variant (2).
Genome position (GRCh38, 1-based): chr6:7,580,554, C>T. VCF-style: chr6-7580554-C-T. GRCh37 (hg19) VCF-style: chr6-7580787-C-T.
Other names: c.4050+314C>T (NM_001319034.2); c.3582+782C>T (NM_001008844.3); short protein forms T1455I.
Identifiers: ClinVar variation 2526287 (VCV002526287.3), dbSNP rs2533928389, ClinGen allele CA362686146.

ClinVar aggregate classification (germline): Uncertain significance (1 of 4 stars; one submission).

Conditions:
Cardiovascular phenotype. Identifiers: MedGen CN230736.

Submission:

Ambry Genetics
Classification: Uncertain significance for Cardiovascular phenotype. Last evaluated: 2026-09-11. Review status: criteria provided, single submitter. Criteria: Ambry Variant Classification Scheme 2023. Collection method: clinical testing. Allele origin: germline.
Comment: The p.T1455I variant (also known as c.4364C>T), located in coding exon 23 of the DSP gene, results from a C to T substitution at nucleotide position 4364. The threonine at codon 1455 is replaced by isoleucine, an amino acid with similar properties. This amino acid position is conserved. In addition, this alteration is predicted to be tolerated by in silico analysis. Based on the available evidence, the clinical significance of this variant remains unclear.